The following is an entry in ClinVar:

ClinVar aggregate classification (germline): Likely benign. Review status: criteria provided, multiple submitters, no conflicts (2 of 4 stars). 4 submissions from 4 submitters: Likely benign (4). Last evaluated 2025-10-29.

Conditions:
Familial thoracic aortic aneurysm and aortic dissection (TAAD). Also called: Thoracic aortic aneurysms and dissections. Identifiers: Orphanet 91387, MedGen C4707243, MONDO:0019625.
Aortic aneurysm, familial thoracic 4 (AAT4). Also called: AORTIC ANEURYSM/AORTIC DISSECTION AND PATENT DUCTUS ARTERIOSUS. Identifiers: MedGen C1851504, MONDO:0007568, OMIM 132900.

Allele frequency attached by ClinVar (database versions not stated): gnomAD exomes below 0.00001 and 0.00002; ExAC 0.00002; ESP Exome Variant Server 0.00008; TOPMed 0.00008; gnomAD 0.00009.
gnomAD v4.1: 20 of 1,614,232 alleles (0.0012%); highest among the groups gnomAD compares: African/African-American, 0.027%; no homozygotes.

Submissions (4):

Labcorp Genetics (formerly Invitae), Labcorp
Classification: Likely benign for Aortic aneurysm, familial thoracic 4. Last evaluated: 2025-10-29. Review status: criteria provided, single submitter. Criteria: Invitae Variant Classification Sherloc (09022015). Collection method: clinical testing. Allele origin: germline.

All of Us Research Program, National Institutes of Health
Classification: Likely benign for Familial thoracic aortic aneurysm and aortic dissection. Last evaluated: 2023-12-13. Review status: criteria provided, single submitter. Criteria: ACMG Guidelines, 2015. Collection method: clinical testing. Allele origin: germline. Inheritance: Autosomal dominant inheritance. Observed: 2 variant alleles, 2 heterozygotes.
Comment: This study involves interpretation of variants in research participants for the purpose of population health screening. Participant phenotype was not available at the time of variant classification. Additional details can be found in publication PMID: 35346344, PMCID: PMC8962531

Color Diagnostics, LLC DBA Color Health
Classification: Likely benign for Familial thoracic aortic aneurysm and aortic dissection. Last evaluated: 2020-10-06. Review status: criteria provided, single submitter. Criteria: ACMG Guidelines, 2015. Collection method: clinical testing. Allele origin: germline.

Ambry Genetics
Classification: Likely benign for Familial thoracic aortic aneurysm and aortic dissection. Last evaluated: 2019-08-14. Review status: criteria provided, single submitter. Criteria: Ambry Variant Classification Scheme 2023. Collection method: clinical testing. Allele origin: germline.

NM_002474.3(MYH11):c.2532G>A (p.Leu844=)

Gene: MYH11 (myosin heavy chain 11; minus strand). Cytogenetic location: 16p13.11.
Variant type: single nucleotide variant.
Coding change: c.2532G>A on transcript NM_002474.3 (MANE Select); coding-DNA position 2532, G replaced by A.
Protein change: p.Leu844=; no amino-acid change (leucine 844 retained).
Molecular consequence: synonymous variant.
Genome position (GRCh38, 1-based): chr16:15,741,880, C>T on the plus strand (G>A on the coding strand, the complement: MYH11 is on the minus strand). VCF-style: chr16-15741880-C-T. GRCh37 (hg19) VCF-style: chr16-15835737-C-T.
Other names: c.2553G>A, p.Leu851= (NM_001040113.2, NM_001040114.2); c.2532G>A, p.Leu844= (NM_022844.3).
Identifiers: ClinVar variation 1172253 (VCV001172253.7), dbSNP rs139788520, ClinGen allele CA7922236.